The following is an entry in ClinVar:

ClinVar aggregate classification (germline): Uncertain significance (1 of 4 stars; one submission).

Conditions:
Centromeric instability of chromosomes 1,9 and 16 and immunodeficiency (ICF1). Also called: IMMUNE DEFICIENCY, VARIABLE, WITH CENTROMERIC INSTABILITY OF CHROMOSOMES 1, 9, AND 16; IMMUNODEFICIENCY SYNDROME, VARIABLE; CENTROMERIC INSTABILITY, IMMUNODEFICIENCY SYNDROME; Immunodeficiency-centromeric instability-facial anomalies. Identifiers: Orphanet 2268, MedGen C0398788, MONDO:0000133.

Submission:

Labcorp Genetics (formerly Invitae), Labcorp
Classification: Uncertain significance for Centromeric instability of chromosomes 1,9 and 16 and immunodeficiency. Last evaluated: 2023-11-14. Review status: criteria provided, single submitter. Criteria: Invitae Variant Classification Sherloc (09022015). Collection method: clinical testing. Allele origin: germline.
Comment: This sequence change falls in intron 21 of the DNMT3B gene. It does not directly change the encoded amino acid sequence of the DNMT3B protein. Information on the frequency of this variant in the gnomAD database is not available, as this variant may be reported differently in the database. This variant has not been reported in the literature in individuals affected with DNMT3B-related conditions. ClinVar contains an entry for this variant (Variation ID: 2158615). Experimental studies and prediction algorithms are not available or were not evaluated, and the effect of this variant on mRNA splicing is currently unknown. In summary, the available evidence is currently insufficient to determine the role of this variant in disease. Therefore, it has been classified as a Variant of Uncertain Significance.

NM_006892.4(DNMT3B):c.2302-21_2302-20delinsGA

Gene: DNMT3B (DNA methyltransferase 3 beta; plus strand). Cytogenetic location: 20q11.21.
Variant type: Indel.
Coding change: c.2302-21_2302-20delinsGA on transcript NM_006892.4 (MANE Select); 21 bases into the intron before coding-DNA position 2302 through 20 bases into the intron before coding-DNA position 2302, TG replaced by GA.
Molecular consequence: intron variant.
Genome position (GRCh38, 1-based): chr20:32,806,188-32,806,189, TG replaced by GA. VCF-style: chr20-32806188-TG-GA. GRCh37 (hg19) VCF-style: chr20-31393994-TG-GA.
Other names: c.2242-21_2242-20delinsGA (NM_175848.2); c.2172-1574_2172-1573delinsGA (NM_175849.2); c.2046-1574_2046-1573delinsGA (NM_001207055.2); c.1944-1574_1944-1573delinsGA (NM_001207056.2); c.2278-21_2278-20delinsGA (NM_175850.3).
Identifiers: ClinVar variation 2158615 (VCV002158615.2), dbSNP rs2515681293, ClinGen allele CA2580098122.
Genomic context (GRCh38, chr20:32,806,188, plus strand): 5'-TCTTTCCCAGGTACTTTTGAGCCTTGACTCCCCAGGTCCCTTCATTCTGTGCTCACTCCA[TG>GA]ATGTCATTTTGTTCTCCAGTTAAAGAAAGTACAGACAATAACCACCAAGTCGAACTCGAT-3'